The following is an entry in ClinVar:

NM_001378457.1(DMXL2):c.6955C>T (p.Gln2319Ter)

Gene: DMXL2 (Dmx like 2; minus strand). Cytogenetic location: 15q21.2.
Variant type: single nucleotide variant.
Coding change: c.6955C>T on transcript NM_001378457.1 (MANE Select); coding-DNA position 6955, C replaced by T.
Protein change: p.Gln2319Ter; replaces glutamine 2319 with a stop codon.
Molecular consequence: nonsense. On other transcripts: non-coding transcript variant (2).
Genome position (GRCh38, 1-based): chr15:51,476,598, G>A on the plus strand (C>T on the coding strand, the complement: DMXL2 is on the minus strand). VCF-style: chr15-51476598-G-A. GRCh37 (hg19) VCF-style: chr15-51768795-G-A.
Other names: c.6955C>T, p.Gln2319Ter (NM_001174116.3, NM_001378459.1, NM_001378461.1 and 1 more transcripts); c.5044C>T, p.Gln1682Ter (NM_001174117.3); c.6952C>T, p.Gln2318Ter (NM_001378458.1, NM_001378462.1, NM_015263.5); c.4933C>T, p.Gln1645Ter (NM_001378460.1); c.6712C>T, p.Gln2238Ter (NM_001378464.1); c.6955C>T (NM_001174116.1); short protein forms Q1682*, Q2318*, Q1645*, Q2238*, Q2319*.
Identifiers: ClinVar variation 1451384 (VCV001451384.7), dbSNP rs1303032996, ClinGen allele CA392441425.

ClinVar aggregate classification (germline): Pathogenic/Likely pathogenic. Review status: criteria provided, multiple submitters, no conflicts (2 of 4 stars). 2 submissions from 2 submitters: Pathogenic (1); Likely pathogenic (1). Last evaluated 2026-03-10.

Allele frequency attached by ClinVar (database versions not stated): gnomAD exomes below 0.00001.
gnomAD v4.1: 2 of 1,606,152 alleles (0.00012%); highest among the groups gnomAD compares: Admixed American, 0.0017%; no homozygotes.

Submissions (2):

GeneDx
Classification: Likely pathogenic. Last evaluated: 2026-03-10. Review status: criteria provided, single submitter. Criteria: GeneDx Variant Classification Process June 2021. Collection method: clinical testing. Allele origin: germline.
Comment: Nonsense variant predicted to result in protein truncation or nonsense mediated decay in a gene for which loss of function is a known mechanism of disease; Not observed at significant frequency in large population cohorts (gnomAD); Has not been previously published as pathogenic or benign to our knowledge

Labcorp Genetics (formerly Invitae), Labcorp
Classification: Pathogenic. Last evaluated: 2022-04-26. Review status: criteria provided, single submitter. Criteria: Invitae Variant Classification Sherloc (09022015). Collection method: clinical testing. Allele origin: germline.
Comment: For these reasons, this variant has been classified as Pathogenic. This variant has not been reported in the literature in individuals affected with DMXL2-related conditions. The frequency data for this variant in the population databases is considered unreliable, as metrics indicate poor data quality at this position in the gnomAD database. This sequence change creates a premature translational stop signal (p.Gln2319*) in the DMXL2 gene. It is expected to result in an absent or disrupted protein product. Loss-of-function variants in DMXL2 are known to be pathogenic (PMID: 30237576, 31688942).

Literature cited by the submitters: PubMed 30237576 (cited by Labcorp Genetics (formerly Invitae), Labcorp); PubMed 31688942 (cited by Labcorp Genetics (formerly Invitae), Labcorp).